The following is an entry in ClinVar:

NM_015450.3(POT1):c.1515G>C (p.Gln505His)

Gene: POT1 (protection of telomeres 1; minus strand). Cytogenetic location: 7q31.33.
Variant type: single nucleotide variant.
Coding change: c.1515G>C on transcript NM_015450.3 (MANE Select); coding-DNA position 1515, G replaced by C.
Protein change: p.Gln505His; replaces glutamine 505 with histidine.
Molecular consequence: missense variant. On other transcripts: non-coding transcript variant (2).
Genome position (GRCh38, 1-based): chr7:124,829,333, C>G on the plus strand (G>C on the coding strand, the complement: POT1 is on the minus strand). VCF-style: chr7-124829333-C-G. GRCh37 (hg19) VCF-style: chr7-124469387-C-G.
Other names: c.1122G>C, p.Gln374His (NM_001042594.2); short protein forms Q505H, Q374H.
Identifiers: ClinVar variation 1774307 (VCV001774307.3), dbSNP rs1794705540, ClinGen allele CA369064678.

ClinVar aggregate classification (germline): Conflicting classifications of pathogenicity. Review status: criteria provided, conflicting classifications (1 of 4 stars). 2 submissions from 2 submitters: Uncertain significance (1); Likely benign (1). Last evaluated 2024-03-05.

Conditions:
Hereditary cancer-predisposing syndrome. Also called: Hereditary Cancer Syndrome; Hereditary neoplastic syndrome; Neoplastic Syndromes, Hereditary; Tumor predisposition. Identifiers: Orphanet 140162, MedGen C0027672, MeSH D009386, MONDO:0015356.

Allele frequency attached by ClinVar (database versions not stated): gnomAD exomes below 0.00001.
gnomAD v4.1: 2 of 1,546,648 alleles (0.00013%); highest among the groups gnomAD compares: Non-Finnish European, 0.00018%; no homozygotes.

Submissions (2):

Ambry Genetics
Classification: Likely benign for Hereditary cancer-predisposing syndrome. Last evaluated: 2024-03-05. Review status: criteria provided, single submitter. Criteria: Ambry Variant Classification Scheme 2023. Collection method: clinical testing. Allele origin: germline.

GeneDx
Classification: Uncertain significance. Last evaluated: 2022-12-07. Review status: criteria provided, single submitter. Criteria: GeneDx Variant Classification Process June 2021. Collection method: clinical testing. Allele origin: germline. Affected: yes.
Comment: Not observed at significant frequency in large population cohorts (gnomAD); In silico analysis supports that this missense variant does not alter protein structure/function; Has not been previously published as pathogenic or benign to our knowledge; This variant is associated with the following publications: (PMID: 28393830)